The following is an entry in ClinVar:

ClinVar aggregate classification (germline): Pathogenic/Likely pathogenic. Review status: criteria provided, multiple submitters, no conflicts (2 of 4 stars). 3 submissions from 3 submitters: Pathogenic (2); Likely pathogenic (1). Last evaluated 2024-12-19.

Conditions:
MECOM-related disorder. Also called: MECOM-related condition.
MECOM-associated syndrome. Identifiers: MedGen CN305607, MONDO:0100458.

Submissions (3):

Victorian Clinical Genetics Services, Murdoch Childrens Research Institute
Classification: Pathogenic for MECOM-associated syndrome. Last evaluated: 2024-12-19. Review status: criteria provided, single submitter. Criteria: ACMG Guidelines, 2015. Collection method: clinical testing. Allele origin: germline. Affected: yes.
Comment: This variant is classified as Pathogenic. Evidence in support of pathogenic classification: Variant is absent from gnomAD (v2, v3 and v4); This variant has moderate previous evidence of pathogenicity in unrelated individuals. This variant has been classified as pathogenic by a clinical laboratory (ClinVar), and has been reported in three unrelated individuals in the literature. This includes one de novo individual and two mildly affected individuals, one of whom was the father of a more severely affected child (PMIDs: 38602302, 38662475); Another missense variant(s) comparable to the one identified in this case has moderate previous evidence for pathogenicity. p.(Arg938Trp) has been reported in at least one heterozygous individual with radioulnar synostosis with amegakaryocytic thrombocytopenia (PMID: 26581901). In addition, it has been classified as pathogenic by multiple clinical laboratories (ClinVar); Missense variant in a region that is highly intolerant to missense variation (high constraint region in DECIPHER). Additional information: Variant is predicted to result in a missense amino acid change from arginine to glutamine; This variant is heterozygous; This gene is associated with autosomal dominant disease; No published functional evidence has been identified for this variant; Missense variant with inconclusive in silico prediction and uninformative conservation; Loss of function is a known mechanism of disease in this gene and is associated with MECOM-associated syndrome (MONDO:0100458) (PMID: 29146883). Dominant negative has also been suggested as a disease causing mechanism (PMID: 26581901); Variants in this gene are known to have variable expressivity (OMIM).

GeneDx
Classification: Pathogenic. Last evaluated: 2023-06-20. Review status: criteria provided, single submitter. Criteria: GeneDx Variant Classification Process June 2021. Collection method: clinical testing. Allele origin: germline. Affected: yes.
Comment: Not observed in large population cohorts (gnomAD); In silico analysis supports that this missense variant has a deleterious effect on protein structure/function; Has not been previously published as pathogenic or benign to our knowledge

Blueprint Genetics
Classification: Likely pathogenic for MECOM-related disorders. Last evaluated: 2023-03-16. Review status: criteria provided, single submitter. Criteria: ACMG Guidelines, 2015. Collection method: clinical testing. Allele origin: germline. Affected: yes. Observed: 1 variant allele.

Literature cited by the submitters: PubMed 38602302 (cited by Victorian Clinical Genetics Services, Murdoch Childrens Research Institute); PubMed 29146883 (cited by Victorian Clinical Genetics Services, Murdoch Childrens Research Institute); PubMed 26581901 (cited by Victorian Clinical Genetics Services, Murdoch Childrens Research Institute); PubMed 38662475 (cited by Victorian Clinical Genetics Services, Murdoch Childrens Research Institute).

NM_004991.4(MECOM):c.2813G>A (p.Arg938Gln)

Gene: MECOM (MDS1 and EVI1 complex locus; minus strand). Cytogenetic location: 3q26.2.
Variant type: single nucleotide variant.
Coding change: c.2813G>A on transcript NM_004991.4 (MANE Select); coding-DNA position 2813, G replaced by A.
Protein change: p.Arg938Gln; replaces arginine 938 with glutamine.
Molecular consequence: missense variant.
Genome position (GRCh38, 1-based): chr3:169,100,921, C>T on the plus strand (G>A on the coding strand, the complement: MECOM is on the minus strand). VCF-style: chr3-169100921-C-T. GRCh37 (hg19) VCF-style: chr3-168818709-C-T.
Other names: c.2444G>A, p.Arg815Gln (NM_001105077.4); c.2249G>A, p.Arg750Gln (NM_001105078.4, NM_001205194.2, NM_001366469.2 and 1 more transcripts); c.2225G>A, p.Arg742Gln (NM_001163999.2, NM_001366470.2); c.2222G>A, p.Arg741Gln (NM_001164000.2, NM_001366471.2, NM_001366472.2); c.2786G>A, p.Arg929Gln (NM_001366466.2); c.2252G>A, p.Arg751Gln (NM_001366467.2, NM_001366468.2); c.1814G>A, p.Arg605Gln (NM_001366473.2); c.1250G>A, p.Arg417Gln (NM_001366474.2); short protein forms R417Q, R605Q, R741Q, R742Q, R750Q, R751Q, R815Q, R929Q.
Identifiers: ClinVar variation 2506775 (VCV002506775.4), dbSNP rs2549268925, ClinGen allele CA355077955.